The following is an entry in ClinVar:

NM_001401501.2(MUC16):c.31760C>T (p.Ala10587Val)

Gene: MUC16 (mucin 16, cell surface associated; minus strand). Cytogenetic location: 19p13.2.
Variant type: single nucleotide variant.
Coding change: c.31760C>T on transcript NM_001401501.2 (MANE Select); coding-DNA position 31760, C replaced by T.
Protein change: p.Ala10587Val; replaces alanine 10587 with valine.
Molecular consequence: missense variant.
Genome position (GRCh38, 1-based): chr19:8,939,315, G>A on the plus strand (C>T on the coding strand, the complement: MUC16 is on the minus strand). VCF-style: chr19-8939315-G-A. GRCh37 (hg19) VCF-style: chr19-9049991-G-A.
Other names: c.32186C>T, p.Ala10729Val (NM_001414686.1); c.31640C>T, p.Ala10547Val (NM_001414687.1, NM_024690.2); short protein forms A10547V, A10587V, A10729V.
Identifiers: ClinVar variation 3044445 (VCV003044445.2), dbSNP rs139208500, ClinGen allele CA9166810.

ClinVar aggregate classification (germline): Benign (0 of 4 stars; one submission).

Conditions:
MUC16-related disorder. Also called: MUC16-related condition.

Allele frequency attached by ClinVar (database versions not stated): ESP Exome Variant Server 0.00024; 1000 Genomes Project 30x 0.00625; 1000 Genomes Project 0.00659.

Submission:

PreventionGenetics, part of Exact Sciences
Classification: Benign for MUC16-related condition. Last evaluated: 2019-03-11. Review status: no assertion criteria provided. Collection method: clinical testing. Allele origin: germline.
Comment: This variant is classified as benign based on ACMG/AMP sequence variant interpretation guidelines (Richards et al. 2015 PMID: 25741868, with internal and published modifications).